The following is an entry in ClinVar:

ClinVar aggregate classification (germline): Likely pathogenic (1 of 4 stars; one submission).

Conditions:
Hepatoencephalopathy due to combined oxidative phosphorylation defect type 1. Also called: HEPATOENCEPHALOPATHY, EARLY FATAL PROGRESSIVE. Identifiers: Orphanet 137681, MedGen C1836797, MONDO:0012191, OMIM 609060.

Submission:

Natera, Inc.
Classification: Likely pathogenic for Combined oxidative phosphorylation deficiency 1. Last evaluated: 2024-03-17. Review status: criteria provided, single submitter. Criteria: Natera Variant Classification Schema (03/2026). Collection method: clinical testing. Allele origin: germline.
Comment: The c.204C>G variant in GFM1 is a nonsense variant predicted to introduce a stop codon at amino acid 68. This variant is expected to result in nonsense mediated decay, truncation, or a dysfunctional protein product. This variant is rare in the general population with a frequency below the threshold expected for the associated phenotype(s). Given the available evidence, this variant is classified as Likely Pathogenic.

NM_024996.7(GFM1):c.204C>G (p.Tyr68Ter)

Gene: GFM1 (G elongation factor mitochondrial 1; plus strand). Cytogenetic location: 3q25.32.
Variant type: single nucleotide variant.
Coding change: c.204C>G on transcript NM_024996.7 (MANE Select); coding-DNA position 204, C replaced by G.
Protein change: p.Tyr68Ter; replaces tyrosine 68 with a stop codon.
Molecular consequence: nonsense. On other transcripts: 5 prime UTR variant (4), non-coding transcript variant (4).
Genome position (GRCh38, 1-based): chr3:158,645,751, C>G. VCF-style: chr3-158645751-C-G. GRCh37 (hg19) VCF-style: chr3-158363540-C-G.
Other names: c.204C>G, p.Tyr68Ter (NM_001308164.2, NM_001308166.2, NM_001374355.1 and 2 more transcripts); c.-22C>G (NM_001374357.1); c.-26C>G (NM_001374359.1, NM_001374360.1, NM_001374361.1); short protein forms Y68*.
Identifiers: ClinVar variation 4816184 (VCV004816184.1).